The following is an entry in ClinVar:

ClinVar aggregate classification (germline): Uncertain significance. Review status: criteria provided, multiple submitters, no conflicts (2 of 4 stars). 3 submissions from 3 submitters: Uncertain significance (3). Last evaluated 2024-08-09.

Conditions:
Hereditary cancer-predisposing syndrome. Also called: Hereditary Cancer Syndrome; Hereditary neoplastic syndrome; Neoplastic Syndromes, Hereditary; Tumor predisposition. Identifiers: Orphanet 140162, MedGen C0027672, MeSH D009386, MONDO:0015356.
Familial cancer of breast. Also called: hereditary breast carcinoma; BREAST CANCER, FAMILIAL; Hereditary breast cancer. Identifiers: Orphanet 227535, MedGen C0346153, MONDO:0016419, OMIM 114480. Disease mechanism: loss of function.
Fanconi anemia complementation group J. Also called: BRIP1-Related Fanconi Anemia. Identifiers: Orphanet 84, MedGen C1836860, MONDO:0012187, OMIM 609054.

Submissions (3):

Ambry Genetics
Classification: Uncertain significance for Hereditary cancer-predisposing syndrome. Last evaluated: 2024-08-09. Review status: criteria provided, single submitter. Criteria: Ambry Variant Classification Scheme 2023. Collection method: clinical testing. Allele origin: germline.
Comment: The p.T1193R variant (also known as c.3578C>G), located in coding exon 19 of the BRIP1 gene, results from a C to G substitution at nucleotide position 3578. The threonine at codon 1193 is replaced by arginine, an amino acid with similar properties. This amino acid position is conserved. In addition, this alteration is predicted to be tolerated by in silico analysis. Based on the available evidence, the clinical significance of this variant remains unclear.

Color Diagnostics, LLC DBA Color Health
Classification: Uncertain significance for Hereditary cancer-predisposing syndrome. Last evaluated: 2024-03-06. Review status: criteria provided, single submitter. Criteria: ACMG Guidelines, 2015. Collection method: clinical testing. Allele origin: germline.
Comment: This missense variant replaces threonine with arginine at codon 1193 of the BRIP1 protein. Computational prediction tool suggests that this variant may not impact protein structure and function (internally defined REVEL score threshold <=0.5, PMID: 27666373). Splice site prediction tools suggest that this variant may not impact RNA splicing. To our knowledge, functional studies have not been performed for this variant. This variant has not been reported in individuals affected with hereditary cancer in the literature. This variant has not been identified in the general population by the Genome Aggregation Database (gnomAD). The available evidence is insufficient to determine the role of this variant in disease conclusively. Therefore, this variant is classified as a Variant of Uncertain Significance.

Labcorp Genetics (formerly Invitae), Labcorp
Classification: Uncertain significance for Familial cancer of breast; Fanconi anemia complementation group J. Last evaluated: 2022-05-12. Review status: criteria provided, single submitter. Criteria: Invitae Variant Classification Sherloc (09022015). Collection method: clinical testing. Allele origin: germline.
Comment: Algorithms developed to predict the effect of missense changes on protein structure and function (SIFT, PolyPhen-2, Align-GVGD) all suggest that this variant is likely to be tolerated. In summary, the available evidence is currently insufficient to determine the role of this variant in disease. Therefore, it has been classified as a Variant of Uncertain Significance. ClinVar contains an entry for this variant (Variation ID: 920173). This variant has not been reported in the literature in individuals affected with BRIP1-related conditions. This variant is not present in population databases (gnomAD no frequency). This sequence change replaces threonine, which is neutral and polar, with arginine, which is basic and polar, at codon 1193 of the BRIP1 protein (p.Thr1193Arg).

NM_032043.3(BRIP1):c.3578C>G (p.Thr1193Arg)

Gene: BRIP1 (BRCA1 interacting DNA helicase 1; minus strand). Cytogenetic location: 17q23.2.
Variant type: single nucleotide variant.
Coding change: c.3578C>G on transcript NM_032043.3 (MANE Select); coding-DNA position 3578, C replaced by G.
Protein change: p.Thr1193Arg; replaces threonine 1193 with arginine.
Molecular consequence: missense variant.
Genome position (GRCh38, 1-based): chr17:61,683,468, G>C on the plus strand (C>G on the coding strand, the complement: BRIP1 is on the minus strand). VCF-style: chr17-61683468-G-C. GRCh37 (hg19) VCF-style: chr17-59760829-G-C.
Other names: short protein forms T1193R.
Identifiers: ClinVar variation 920173 (VCV000920173.10), dbSNP rs1368343911, ClinGen allele CA400478180.